The following is an entry in ClinVar:

ClinVar aggregate classification (germline): Uncertain significance (1 of 4 stars; one submission).

Allele frequency attached by ClinVar (database versions not stated): gnomAD exomes below 0.00001 and 0.00001; gnomAD 0.00001.
gnomAD v4.1: 8 of 1,613,584 alleles (0.0005%); highest among the groups gnomAD compares: Admixed American, 0.0017%; no homozygotes.

Submission:

Labcorp Genetics (formerly Invitae), Labcorp
Classification: Uncertain significance. Last evaluated: 2021-08-30. Review status: criteria provided, single submitter. Criteria: Invitae Variant Classification Sherloc (09022015). Collection method: clinical testing. Allele origin: germline.
Comment: This sequence change replaces glutamic acid with lysine at codon 325 of the SLC25A12 protein (p.Glu325Lys). The glutamic acid residue is highly conserved and there is a small physicochemical difference between glutamic acid and lysine. This variant is not present in population databases (ExAC no frequency). This variant has not been reported in the literature in individuals affected with SLC25A12-related conditions. Algorithms developed to predict the effect of missense changes on protein structure and function are either unavailable or do not agree on the potential impact of this missense change (SIFT: "Tolerated"; PolyPhen-2: "Possibly Damaging"; Align-GVGD: "Class C0"). In summary, the available evidence is currently insufficient to determine the role of this variant in disease. Therefore, it has been classified as a Variant of Uncertain Significance.

NM_003705.5(SLC25A12):c.973G>A (p.Glu325Lys)

Gene: SLC25A12 (solute carrier family 25 member 12; minus strand). Cytogenetic location: 2q31.1.
Variant type: single nucleotide variant.
Coding change: c.973G>A on transcript NM_003705.5 (MANE Select); coding-DNA position 973, G replaced by A.
Protein change: p.Glu325Lys; replaces glutamic acid 325 with lysine.
Molecular consequence: missense variant. On other transcripts: non-coding transcript variant (1).
Genome position (GRCh38, 1-based): chr2:171,815,160, C>T on the plus strand (G>A on the coding strand, the complement: SLC25A12 is on the minus strand). VCF-style: chr2-171815160-C-T. GRCh37 (hg19) VCF-style: chr2-172671670-C-T.
Other names: short protein forms E325K.
Identifiers: ClinVar variation 837647 (VCV000837647.7), dbSNP rs1485259742, ClinGen allele CA349290502.